The following is an entry in ClinVar:

NM_001243925.2(MAPKAPK3):c.334_335delinsTT (p.Arg112Phe)

Gene: MAPKAPK3 (MAPK activated protein kinase 3; plus strand). Cytogenetic location: 3p21.2.
Variant type: Indel.
Coding change: c.334_335delinsTT on transcript NM_001243925.2 (MANE Select); coding-DNA positions 334 to 335, CG replaced by TT.
Protein change: p.Arg112Phe; replaces arginine 112 with phenylalanine.
Molecular consequence: missense variant.
Genome position (GRCh38, 1-based): chr3:50,640,480-50,640,481, CG replaced by TT. VCF-style: chr3-50640480-CG-TT. GRCh37 (hg19) VCF-style: chr3-50677911-CG-TT.
Other names: c.334_335delinsTT, p.Arg112Phe (NM_001243926.2, NM_004635.5); short protein forms R112F.
Identifiers: ClinVar variation 3670832 (VCV003670832.2).

ClinVar aggregate classification (germline): Uncertain significance (1 of 4 stars; one submission).

Submission:

Labcorp Genetics (formerly Invitae), Labcorp
Classification: Uncertain significance. Last evaluated: 2024-09-16. Review status: criteria provided, single submitter. Criteria: Invitae Variant Classification Sherloc (09022015). Collection method: clinical testing. Allele origin: germline.
Comment: This sequence change replaces arginine, which is basic and polar, with phenylalanine, which is neutral and non-polar, at codon 112 of the MAPKAPK3 protein (p.Arg112Phe). Information on the frequency of this variant in the gnomAD database is not available, as this variant may be reported differently in the database. This variant has not been reported in the literature in individuals affected with MAPKAPK3-related conditions. An algorithm developed to predict the effect of missense changes on protein structure and function (PolyPhen-2) suggests that this variant is likely to be disruptive. In summary, the available evidence is currently insufficient to determine the role of this variant in disease. Therefore, it has been classified as a Variant of Uncertain Significance.